The following is an entry in ClinVar:

ClinVar aggregate classification (germline): Likely benign. Review status: criteria provided, single submitter (1 of 4 stars). 3 submissions from 3 submitters: Likely benign (1). 2 of the submissions do not count toward it. Last evaluated 2024-10-22.

Conditions:
CYP27A1-related disorder. Also called: CYP27A1-related condition.
Cholestanol storage disease (CTX). Also called: Cerebrotendinous Xanthomatosis; CTX: Cerebrotendinous xanthomatosis; CEREBRAL CHOLESTERINOSIS. Identifiers: Orphanet 909, MedGen C0238052, MONDO:0008948, OMIM 213700.

Allele frequency attached by ClinVar (database versions not stated): TOPMed 0.00001.

Submissions (3):

Labcorp Genetics (formerly Invitae), Labcorp
Classification: Likely benign for Cholestanol storage disease. Last evaluated: 2024-10-22. Review status: criteria provided, single submitter. Criteria: Invitae Variant Classification Sherloc (09022015). Collection method: clinical testing. Allele origin: germline.

Natera, Inc.
Classification: Uncertain significance for Cerebrotendinous xanthomatosis. Last evaluated: 2025-02-20. Review status: no assertion criteria provided. Collection method: clinical testing. Allele origin: germline. Not counted in ClinVar's aggregate classification.

PreventionGenetics, part of Exact Sciences
Classification: Likely benign for CYP27A1-related condition. Last evaluated: 2024-03-05. Review status: no assertion criteria provided. Collection method: clinical testing. Allele origin: germline. Not counted in ClinVar's aggregate classification.
Comment: This variant is classified as likely benign based on ACMG/AMP sequence variant interpretation guidelines (Richards et al. 2015 PMID: 25741868, with internal and published modifications).

NM_000784.4(CYP27A1):c.1018-4C>G

Gene: CYP27A1 (cytochrome P450 family 27 subfamily A member 1; plus strand). Cytogenetic location: 2q35.
Variant type: single nucleotide variant.
Coding change: c.1018-4C>G on transcript NM_000784.4 (MANE Select); 4 bases into the intron before coding-DNA position 1018, C replaced by G.
Molecular consequence: intron variant.
Genome position (GRCh38, 1-based): chr2:218,814,017, C>G. VCF-style: chr2-218814017-C-G. GRCh37 (hg19) VCF-style: chr2-219678740-C-G.
Other names: c.1018-4C>G (NM_000784.3).
Identifiers: ClinVar variation 3001821 (VCV003001821.5), dbSNP rs1394061180, ClinGen allele CA764918194.